The following is an entry in ClinVar:

ClinVar aggregate classification (germline): Uncertain significance (1 of 4 stars; one submission).

Conditions:
Malignant hyperthermia, susceptibility to, 1 (MHS1). Also called: Anesthesia related hyperthermia; Malignant hyperpyrexia; Fulminating hyperpyrexia; Pharmacogenic myopathy; RYR1-Related Malignant Hyperthermia Susceptibility; Malignant hyperthermia suceptibility 1. Identifiers: Orphanet 423, MedGen C2930980, MONDO:0007783, OMIM 145600.

gnomAD v4.1: 3 of 1,607,590 alleles (0.00019%); highest among the groups gnomAD compares: Admixed American, 0.0017%; no homozygotes.

Submission:

All of Us Research Program, National Institutes of Health
Classification: Uncertain significance for Malignant hyperthermia, susceptibility to, 1. Last evaluated: 2024-08-23. Review status: criteria provided, single submitter. Criteria: ACMG Guidelines, 2015. Collection method: clinical testing. Allele origin: germline. Inheritance: Autosomal dominant inheritance. Observed: 1 variant allele, 1 heterozygote.
Comment: This missense variant replaces leucine with arginine at codon 1465 of the RYR1 protein. Computational prediction suggests that this variant may have deleterious impact on protein structure and function (internally defined REVEL score threshold >= 0.7, PMID: 27666373). To our knowledge, functional studies have not been reported for this variant. This variant has not been reported in individuals affected with RYR1-related disorders in the literature. This variant has been identified in 2/251274 chromosomes in the general population by the Genome Aggregation Database (gnomAD). The available evidence is insufficient to determine the role of this variant in disease conclusively. Therefore, this variant is classified as a Variant of Uncertain Significance.

This study involves interpretation of variants in research participants for the purpose of population health screening. Participant phenotype was not available at the time of variant classification. Additional details can be found in publication PMID: 35346344, PMCID: PMC8962531

NM_000540.3(RYR1):c.4394T>G (p.Leu1465Arg)

Gene: RYR1 (ryanodine receptor 1; plus strand). Cytogenetic location: 19q13.2.
Variant type: single nucleotide variant.
Coding change: c.4394T>G on transcript NM_000540.3 (MANE Select); coding-DNA position 4394, T replaced by G.
Protein change: p.Leu1465Arg; replaces leucine 1465 with arginine.
Molecular consequence: missense variant.
Genome position (GRCh38, 1-based): chr19:38,477,810, T>G. VCF-style: chr19-38477810-T-G. GRCh37 (hg19) VCF-style: chr19-38968450-T-G.
Other names: c.4394T>G, p.Leu1465Arg (NM_001042723.2); short protein forms L1465R.
Identifiers: ClinVar variation 3387710 (VCV003387710.1).
Genomic context (GRCh38, chr19:38,477,810, plus strand): 5'-GCTGCGTGTGGGCGGGCTGGGTCACCCCTGACTACCATCAGCACGACATGAGCTTCGACC[T>G]CAGCAAGGTCCGGGTCGTGACGGTGACCATGGGGGATGAACAAGGCAACGTCCACAGCAG-3'
Protein context (NP_000531.2, residues 1455-1475): DYHQHDMSFD[Leu1465Arg]SKVRVVTVTM